The following is an entry in ClinVar:

ClinVar aggregate classification (germline): Pathogenic. Review status: criteria provided, multiple submitters, no conflicts (2 of 4 stars). 2 submissions from 2 submitters: Pathogenic (2). Last evaluated 2025-09-08.

Conditions:
Inborn genetic diseases. Identifiers: MedGen C0950123, MeSH D030342.

Submissions (2):

GeneDx
Classification: Pathogenic. Last evaluated: 2025-09-08. Review status: criteria provided, single submitter. Criteria: GeneDx Variant Classification Process June 2021. Collection method: clinical testing. Allele origin: germline.
Comment: Frameshift variant predicted to result in protein truncation or nonsense mediated decay in a gene for which loss of function is a known mechanism of disease; Not observed at significant frequency in large population cohorts (gnomAD); Has not been previously published as pathogenic or benign to our knowledge

Ambry Genetics
Classification: Pathogenic for Inborn genetic diseases. Last evaluated: 2017-09-08. Review status: criteria provided, single submitter. Criteria: Ambry exome assertion method (8-5-2015). Collection method: clinical testing. Allele origin: germline. Affected: yes. Observed: 1 variant allele.

NM_001372044.2(SHANK3):c.3977_3989del (p.Leu1326fs)

Gene: SHANK3 (SH3 and multiple ankyrin repeat domains 3; plus strand). Cytogenetic location: 22q13.33.
Variant type: Deletion.
Coding change: c.3977_3989del on transcript NM_001372044.2 (MANE Select); coding-DNA positions 3977 to 3989, 13 bases deleted (TGCCCAGCCCCCG).
Protein change: p.Leu1326fs; shifts the reading frame from leucine 1326.
Molecular consequence: frameshift variant.
Genome position (GRCh38, 1-based): chr22:50,721,585-50,721,597, TGCCCAGCCCCCG deleted. VCF-style (leftmost placement, unchanged base first): chr22-50721584-CTGCCCAGCCCCCG-C. GRCh37 (hg19) VCF-style: chr22-51160012-CTGCCCAGCCCCCG-C.
Other names: c.3752_3764del13 (NM_033517.1); c.3752_3764del, p.Leu1251fs (NM_033517.1); short protein forms L1251fs, L1326fs.
Identifiers: ClinVar variation 522005 (VCV000522005.6), dbSNP rs1555910182, ClinGen allele CA658799571.